The following is an entry in ClinVar:

NM_001103.4(ACTN2):c.2302-3C>T

Gene: ACTN2 (actinin alpha 2; plus strand). Cytogenetic location: 1q43.
Variant type: single nucleotide variant.
Coding change: c.2302-3C>T on transcript NM_001103.4 (MANE Select); 3 bases into the intron before coding-DNA position 2302, C replaced by T.
Molecular consequence: intron variant.
Genome position (GRCh38, 1-based): chr1:236,759,721, C>T. VCF-style: chr1-236759721-C-T. GRCh37 (hg19) VCF-style: chr1-236923021-C-T.
Other names: c.2302-3C>T (NM_001278343.2).
Identifiers: ClinVar variation 4790535 (VCV004790535.1).

ClinVar aggregate classification (germline): Uncertain significance (1 of 4 stars; one submission).

Conditions:
Dilated cardiomyopathy 1AA (CMD1AA). Also called: CARDIOMYOPATHY, DILATED, 1AA, WITH OR WITHOUT LEFT VENTRICULAR NONCOMPACTION; CARDIOMYOPATHY, FAMILIAL HYPERTROPHIC, 23, WITH OR WITHOUT LEFT VENTRICULAR NONCOMPACTION; Cardiomyopathy, dilated, 1AA, with or without LVNC. Identifiers: Orphanet 154, MedGen C2677338, MONDO:0012808, OMIM 612158.
Primary familial hypertrophic cardiomyopathy (HCM). Identifiers: Orphanet 99739, MedGen C0949658, MeSH D024741, MONDO:0024573. Inheritance: Various modes of inheritance.

gnomAD v4.1: 2 of 1,614,010 alleles (0.00012%); highest among the groups gnomAD compares: East Asian, 0.0022%; no homozygotes.

Submission:

Labcorp Genetics (formerly Invitae), Labcorp
Classification: Uncertain significance for Primary familial hypertrophic cardiomyopathy; Dilated cardiomyopathy 1AA. Last evaluated: 2025-02-04. Review status: criteria provided, single submitter. Criteria: Invitae Variant Classification Sherloc (09022015). Collection method: clinical testing. Allele origin: germline.
Comment: This sequence change falls in intron 18 of the ACTN2 gene. It does not directly change the encoded amino acid sequence of the ACTN2 protein. It affects a nucleotide within the consensus splice site. This variant is not present in population databases (gnomAD no frequency). This variant has not been reported in the literature in individuals affected with ACTN2-related conditions. Variants that disrupt the consensus splice site are a relatively common cause of aberrant splicing (PMID: 17576681, 9536098). Algorithms developed to predict the effect of sequence changes on RNA splicing suggest that this variant is not likely to affect RNA splicing. In summary, the available evidence is currently insufficient to determine the role of this variant in disease. Therefore, it has been classified as a Variant of Uncertain Significance.

Literature cited by the submitters: PubMed 17576681; PubMed 9536098.